The following is an entry in ClinVar:

NM_000161.3(GCH1):c.458A>G (p.His153Arg)

Gene: GCH1 (GTP cyclohydrolase 1; minus strand). Cytogenetic location: 14q22.2.
Variant type: single nucleotide variant.
Coding change: c.458A>G on transcript NM_000161.3 (MANE Select); coding-DNA position 458, A replaced by G.
Protein change: p.His153Arg; replaces histidine 153 with arginine.
Molecular consequence: missense variant.
Genome position (GRCh38, 1-based): chr14:54,859,732, T>C on the plus strand (A>G on the coding strand, the complement: GCH1 is on the minus strand). VCF-style: chr14-54859732-T-C. GRCh37 (hg19) VCF-style: chr14-55326450-T-C.
Other names: c.458A>G, p.His153Arg (NM_001024024.2, NM_001024070.2, NM_001024071.2 and 1 more transcripts); c.164A>G, p.His55Arg (NM_001424105.1); short protein forms H55R, H153R.
Identifiers: ClinVar variation 2925518 (VCV002925518.3), dbSNP rs2504390690, ClinGen allele CA389788520.

ClinVar aggregate classification (germline): Uncertain significance (1 of 4 stars; one submission).

Conditions:
Dystonia 5 (DRD). Also called: DYSTONIA, PROGRESSIVE, WITH DIURNAL VARIATION; DYSTONIA-PARKINSONISM WITH DIURNAL FLUCTUATION; GTP Cyclohydrolase 1-Deficient Dopa-Responsive Dystonia; Dystonia, DOPA-responsive, with or without hyperphenylalaninemia; DYT-GCH1. Identifiers: Orphanet 98808, MedGen C1851920, MONDO:0007495, OMIM 128230.
GTP cyclohydrolase I deficiency. Identifiers: MedGen C0268467, MONDO:0100184.

Allele frequency attached by ClinVar (database versions not stated): gnomAD exomes below 0.00001.

Submission:

Labcorp Genetics (formerly Invitae), Labcorp
Classification: Uncertain significance for GTP cyclohydrolase I deficiency; Dystonia 5. Last evaluated: 2023-02-20. Review status: criteria provided, single submitter. Criteria: Invitae Variant Classification Sherloc (09022015). Collection method: clinical testing. Allele origin: germline.
Comment: This sequence change replaces histidine, which is basic and polar, with arginine, which is basic and polar, at codon 153 of the GCH1 protein (p.His153Arg). This variant is not present in population databases (gnomAD no frequency). This missense change has been observed in individuals with clinical features of dystonia and related disorders (PMID: 19491146; Invitae). Advanced modeling of protein sequence and biophysical properties (such as structural, functional, and spatial information, amino acid conservation, physicochemical variation, residue mobility, and thermodynamic stability) performed at Invitae indicates that this missense variant is not expected to disrupt GCH1 protein function. This variant disrupts the p.His153 amino acid residue in GCH1. Other variant(s) that disrupt this residue have been observed in individuals with GCH1-related conditions (PMID: 8852666, 19491146, 34997870), which suggests that this may be a clinically significant amino acid residue. In summary, the available evidence is currently insufficient to determine the role of this variant in disease. Therefore, it has been classified as a Variant of Uncertain Significance.

Literature cited by the submitters: PubMed 19491146; PubMed 8852666; PubMed 34997870.